The following is an entry in ClinVar:

ClinVar aggregate classification (germline): Likely benign (1 of 4 stars; one submission).

Conditions:
Malignant hyperthermia, susceptibility to, 1 (MHS1). Also called: Anesthesia related hyperthermia; Malignant hyperpyrexia; Fulminating hyperpyrexia; Pharmacogenic myopathy; RYR1-Related Malignant Hyperthermia Susceptibility; Malignant hyperthermia suceptibility 1. Identifiers: Orphanet 423, MedGen C2930980, MONDO:0007783, OMIM 145600.

Allele frequency attached by ClinVar (database versions not stated): gnomAD exomes below 0.00001; TOPMed 0.00001.
gnomAD v4.1: 1 of 1,614,008 alleles (0.000062%); highest among the groups gnomAD compares: African/African-American, 0.0013%; no homozygotes.

Submission:

All of Us Research Program, National Institutes of Health
Classification: Likely benign for Malignant hyperthermia, susceptibility to, 1. Last evaluated: 2024-02-05. Review status: criteria provided, single submitter. Criteria: ACMG Guidelines, 2015. Collection method: clinical testing. Allele origin: germline. Inheritance: Autosomal dominant inheritance. Observed: 1 variant allele, 1 heterozygote.
Comment: This study involves interpretation of variants in research participants for the purpose of population health screening. Participant phenotype was not available at the time of variant classification. Additional details can be found in publication PMID: 35346344, PMCID: PMC8962531

NM_000540.3(RYR1):c.10659G>C (p.Leu3553=)

Gene: RYR1 (ryanodine receptor 1; plus strand). Cytogenetic location: 19q13.2.
Variant type: single nucleotide variant.
Coding change: c.10659G>C on transcript NM_000540.3 (MANE Select); coding-DNA position 10659, G replaced by C.
Protein change: p.Leu3553=; no amino-acid change (leucine 3553 retained).
Molecular consequence: synonymous variant.
Genome position (GRCh38, 1-based): chr19:38,527,025, G>C. VCF-style: chr19-38527025-G-C. GRCh37 (hg19) VCF-style: chr19-39017665-G-C.
Other names: c.10644G>C, p.Leu3548= (NM_001042723.2).
Identifiers: ClinVar variation 3075455 (VCV003075455.1), dbSNP rs1971496089, ClinGen allele CA079972.